The following is an entry in ClinVar:

ClinVar aggregate classification (germline): Pathogenic (1 of 4 stars; one submission).

Submission:

Labcorp Genetics (formerly Invitae), Labcorp
Classification: Pathogenic. Last evaluated: 2022-03-16. Review status: criteria provided, single submitter. Criteria: Invitae Variant Classification Sherloc (09022015). Collection method: clinical testing. Allele origin: germline.
Comment: This variant has not been reported in the literature in individuals affected with TCTEX1D2-related conditions. For these reasons, this variant has been classified as Pathogenic. The frequency data for this variant in the population databases is considered unreliable, as metrics indicate poor data quality at this position in the gnomAD database. This sequence change creates a premature translational stop signal (p.Gln36Profs*10) in the TCTEX1D2 gene. It is expected to result in an absent or disrupted protein product. Loss-of-function variants in TCTEX1D2 are known to be pathogenic (PMID: 26044572).

Literature cited by the submitters: PubMed 26044572.

NM_152773.5(DYNLT2B):c.104dup (p.Gln36fs)

Genes: DYNLT2B (dynein light chain Tctex-type 2B; minus strand), TM4SF19-DYNLT2B (TM4SF19-DYNLT2B readthrough (NMD candidate); minus strand). Cytogenetic location: 3q29.
Variant type: Duplication.
Coding change: c.104dup on transcript NM_152773.5 (MANE Select); coding-DNA position 104, one base duplicated (T; older notation c.104dupT).
Protein change: p.Gln36fs; shifts the reading frame from glutamine 36.
Molecular consequence: frameshift variant.
Genome position (GRCh38, 1-based): chr3:196,318,049, A duplicated on the plus strand (T on the coding strand, the reverse complement: DYNLT2B is on the minus strand); the first of 4 consecutive A bases (chr3:196,318,049-196,318,052); duplicating any one gives the same sequence. VCF-style (leftmost placement, unchanged base first): chr3-196318048-G-GA. GRCh37 (hg19) VCF-style: chr3-196044919-G-GA.
Other names: c.104dup, p.Gln36fs (NM_001351628.2); short protein forms Q36fs.
Identifiers: ClinVar variation 2192828 (VCV002192828.4), dbSNP rs1304382790, ClinGen allele CA549028090.